The following is an entry in ClinVar:

ClinVar aggregate classification (germline): Likely benign. Review status: criteria provided, multiple submitters, no conflicts (2 of 4 stars). 2 submissions from 2 submitters: Likely benign (2). Last evaluated 2026-02-09.

Conditions:
KCNQ4-related disorder. Also called: KCNQ4-related condition.

Allele frequency attached by ClinVar (database versions not stated): ExAC 0.00001; TOPMed 0.00001; gnomAD exomes 0.00002.
gnomAD v4.1: 27 of 1,610,020 alleles (0.0017%); highest among the groups gnomAD compares: Non-Finnish European, 0.0022%; no homozygotes.

Submissions (2):

PreventionGenetics, part of Exact Sciences
Classification: Likely benign for KCNQ4-related condition. Last evaluated: 2026-02-09. Review status: criteria provided, single submitter. Criteria: ACMG Guidelines, 2015. Collection method: clinical testing. Allele origin: germline.
Comment: This variant is classified as likely benign based on ACMG/AMP sequence variant interpretation guidelines (Richards et al. 2015 PMID: 25741868, with internal and published modifications).

Labcorp Genetics (formerly Invitae), Labcorp
Classification: Likely benign. Last evaluated: 2022-08-21. Review status: criteria provided, single submitter. Criteria: Invitae Variant Classification Sherloc (09022015). Collection method: clinical testing. Allele origin: germline.

NM_004700.4(KCNQ4):c.252G>A (p.Gln84=)

Gene: KCNQ4 (potassium voltage-gated channel subfamily Q member 4; plus strand). Cytogenetic location: 1p34.2.
Variant type: single nucleotide variant.
Coding change: c.252G>A on transcript NM_004700.4 (MANE Select); coding-DNA position 252, G replaced by A.
Protein change: p.Gln84=; no amino-acid change (glutamine 84 retained).
Molecular consequence: synonymous variant.
Genome position (GRCh38, 1-based): chr1:40,784,345, G>A. VCF-style: chr1-40784345-G-A. GRCh37 (hg19) VCF-style: chr1-41250017-G-A.
Other names: c.252G>A (NM_004700.3); c.252G>A, p.Gln84= (NM_172163.3).
Identifiers: ClinVar variation 2421445 (VCV002421445.5), dbSNP rs765001922, ClinGen allele CA794471.
Genomic context (GRCh38, chr1:40,784,345, plus strand): 5'-CTCGGGCTCCGCCTGCGGCCAGCGCTCCTCGGCCGCGCACAAGCGCTACCGCCGCCTGCA[G>A]AACTGGGTCTACAACGTGCTGGAGCGGCCCCGCGGCTGGGCCTTCGTCTACCACGTCTTC-3'
Protein context (NP_004691.2, residues 74-94): SAAHKRYRRL[Gln84=]NWVYNVLERP